The following is an entry in ClinVar:

ClinVar aggregate classification (germline): Uncertain significance. Review status: criteria provided, multiple submitters, no conflicts (2 of 4 stars). 2 submissions from 2 submitters: Uncertain significance (2). Last evaluated 2025-02-24.

Conditions:
Early-infantile DEE. Also called: Early infantile epileptic encephalopathy; Ohtahara syndrome; Early infantile epileptic encephalopathy with suppression bursts. Identifiers: Orphanet 1934, MedGen C0393706, MONDO:0800491.

Allele frequency attached by ClinVar (database versions not stated): gnomAD exomes below 0.00001; gnomAD 0.00001; TOPMed 0.00002.
gnomAD v4.1: 7 of 1,612,614 alleles (0.00043%); highest among the groups gnomAD compares: Non-Finnish European, 0.00059%; no homozygotes.

Submissions (2):

Labcorp Genetics (formerly Invitae), Labcorp
Classification: Uncertain significance for Early-infantile DEE. Last evaluated: 2025-02-24. Review status: criteria provided, single submitter. Criteria: Invitae Variant Classification Sherloc (09022015). Collection method: clinical testing. Allele origin: germline.
Comment: This sequence change replaces phenylalanine, which is neutral and non-polar, with leucine, which is neutral and non-polar, at codon 1530 of the SCN1A protein (p.Phe1530Leu). This variant is not present in population databases (gnomAD no frequency). This variant has not been reported in the literature in individuals affected with SCN1A-related conditions. ClinVar contains an entry for this variant (Variation ID: 1438278). Invitae Evidence Modeling of protein sequence and biophysical properties (such as structural, functional, and spatial information, amino acid conservation, physicochemical variation, residue mobility, and thermodynamic stability) indicates that this missense variant is not expected to disrupt SCN1A protein function with a negative predictive value of 95%. In summary, the available evidence is currently insufficient to determine the role of this variant in disease. Therefore, it has been classified as a Variant of Uncertain Significance.

GeneDx
Classification: Uncertain significance. Last evaluated: 2023-02-21. Review status: criteria provided, single submitter. Criteria: GeneDx Variant Classification Process June 2021. Collection method: clinical testing. Allele origin: germline. Affected: yes.
Comment: Not observed at significant frequency in large population cohorts (gnomAD); Missense variants in this gene are often considered pathogenic (HGMD); In silico analysis supports that this missense variant does not alter protein structure/function; Has not been previously published as pathogenic or benign to our knowledge; This substitution is predicted to be in the cytoplasmic loop between the third and fourth homologous domains

NM_001165963.4(SCN1A):c.4588T>C (p.Phe1530Leu)

Genes: SCN1A (sodium voltage-gated channel alpha subunit 1; minus strand), LOC102724058 (uncharacterized LOC102724058; plus strand). Cytogenetic location: 2q24.3.
Variant type: single nucleotide variant.
Coding change: c.4588T>C on transcript NM_001165963.4 (MANE Select); coding-DNA position 4588, T replaced by C.
Protein change: p.Phe1530Leu; replaces phenylalanine 1530 with leucine.
Molecular consequence: missense variant. On other transcripts: non-coding transcript variant (1).
Genome position (GRCh38, 1-based): chr2:165,994,410, A>G on the plus strand (T>C on the coding strand, the complement: SCN1A is on the minus strand). VCF-style: chr2-165994410-A-G. GRCh37 (hg19) VCF-style: chr2-166850920-A-G.
Other names: c.4504T>C, p.Phe1502Leu (NM_001165964.3, NM_001353957.2, NM_001353958.2); c.4588T>C, p.Phe1530Leu (NM_001202435.3, NM_001353948.2); c.4555T>C, p.Phe1519Leu (NM_001353949.2, NM_001353950.2, NM_001353951.2 and 2 more transcripts); c.4552T>C, p.Phe1518Leu (NM_001353954.2, NM_001353955.2); c.4501T>C, p.Phe1501Leu (NM_001353960.2); c.2146T>C, p.Phe716Leu (NM_001353961.2); c.4588T>C (NM_001165963.1); short protein forms F1502L, F1530L, F1501L, F1519L, F716L, F1518L.
Identifiers: ClinVar variation 1438278 (VCV001438278.9), dbSNP rs1689724218, ClinGen allele CA349072371.